The following is an entry in ClinVar:

ClinVar aggregate classification (germline): Benign. Review status: criteria provided, multiple submitters, no conflicts (2 of 4 stars). 4 submissions from 4 submitters: Benign (4). Last evaluated 2021-07-15.

Conditions:
Spermatogenic failure 43. Identifiers: MedGen C5231490, MONDO:0032898, OMIM 618751.

Allele frequency attached by ClinVar (database versions not stated): gnomAD exomes 0.66189 and 0.70717; ESP Exome Variant Server 0.68463; gnomAD 0.69286 and 0.69986; TOPMed 0.70660; ExAC 0.72204; 1000 Genomes Project 30x 0.78217; 1000 Genomes Project 0.78415.
gnomAD v4.1: 1,059,588 of 1,591,038 alleles (67%); highest among the groups gnomAD compares: East Asian, 87%; 356,525 homozygotes.

Submissions (4):

Genome-Nilou Lab
Classification: Benign for Spermatogenic failure 43. Last evaluated: 2021-07-15. Review status: criteria provided, single submitter. Criteria: ACMG Guidelines, 2015. Collection method: clinical testing. Allele origin: germline. Affected: no.

GeneDx
Classification: Benign. Last evaluated: 2021-05-04. Review status: criteria provided, single submitter. Criteria: GeneDx Variant Classification Process June 2021. Collection method: clinical testing. Allele origin: germline. Affected: yes.

Laboratory for Molecular Medicine, Mass General Brigham Personalized Medicine
Classification: Benign. Last evaluated: 2016-03-29. Review status: criteria provided, single submitter. Criteria: LMM Criteria. Collection method: clinical testing. Allele origin: germline.
Comment: Variant identified in a genome or exome case(s) and assessed due to predicted null impact of the variant or pathogenic assertions in the literature or databases. Disclaimer: This variant has not undergone full assessment. The following are preliminary notes: Frequency

Breakthrough Genomics
Classification: Benign. Review status: criteria provided, single submitter. Criteria: ACMG Guidelines, 2015. Collection method: not provided. Allele origin: germline. Inheritance: Autosomal recessive inheritance. Affected: yes.

NM_024867.4(SPEF2):c.579T>C (p.Ile193=)

Gene: SPEF2 (sperm flagellar 2; plus strand). Cytogenetic location: 5p13.2.
Variant type: single nucleotide variant.
Coding change: c.579T>C on transcript NM_024867.4 (MANE Select); coding-DNA position 579, T replaced by C.
Protein change: p.Ile193=; no amino-acid change (isoleucine 193 retained).
Molecular consequence: synonymous variant.
Genome position (GRCh38, 1-based): chr5:35,644,519, T>C. VCF-style: chr5-35644519-T-C. GRCh37 (hg19) VCF-style: chr5-35644621-T-C.
Other names: c.579T>C, p.Ile193= (NM_144722.4).
Identifiers: ClinVar variation 403472 (VCV000403472.10), dbSNP rs7706444, ClinGen allele CA3230191.